The following is an entry in ClinVar:

NM_005477.3(HCN4):c.2314G>C (p.Val772Leu)

Gene: HCN4 (hyperpolarization activated cyclic nucleotide gated potassium channel 4; minus strand). Cytogenetic location: 15q24.1.
Variant type: single nucleotide variant.
Coding change: c.2314G>C on transcript NM_005477.3 (MANE Select); coding-DNA position 2314, G replaced by C.
Protein change: p.Val772Leu; replaces valine 772 with leucine.
Molecular consequence: missense variant.
Genome position (GRCh38, 1-based): chr15:73,323,779, C>G on the plus strand (G>C on the coding strand, the complement: HCN4 is on the minus strand). VCF-style: chr15-73323779-C-G. GRCh37 (hg19) VCF-style: chr15-73616120-C-G.
Other names: short protein forms V772L.
Identifiers: ClinVar variation 961482 (VCV000961482.7), dbSNP rs776635828, ClinGen allele CA7649045.

ClinVar aggregate classification (germline): Uncertain significance (1 of 4 stars; one submission).

Conditions:
Brugada syndrome 8 (BRGDA8). Identifiers: Orphanet 130, MedGen C2751083, MONDO:0013148, OMIM 613123.

gnomAD v4.1: 6 of 1,607,692 alleles (0.00037%); highest among the groups gnomAD compares: Non-Finnish European, 0.00051%; no homozygotes.

Submission:

Labcorp Genetics (formerly Invitae), Labcorp
Classification: Uncertain significance for Brugada syndrome 8. Last evaluated: 2021-05-13. Review status: criteria provided, single submitter. Criteria: Invitae Variant Classification Sherloc (09022015). Collection method: clinical testing. Allele origin: germline.
Comment: In summary, the available evidence is currently insufficient to determine the role of this variant in disease. Therefore, it has been classified as a Variant of Uncertain Significance. Algorithms developed to predict the effect of missense changes on protein structure and function output the following: SIFT: "Deleterious"; PolyPhen-2: "Not Available"; Align-GVGD: "Class C25". The leucine amino acid residue is found in multiple mammalian species, suggesting that this missense change does not adversely affect protein function. These predictions have not been confirmed by published functional studies and their clinical significance is uncertain. This variant has not been reported in the literature in individuals with HCN4-related conditions. This variant is present in population databases (rs776635828, ExAC 0.002%). This sequence change replaces valine with leucine at codon 772 of the HCN4 protein (p.Val772Leu). The valine residue is highly conserved and there is a small physicochemical difference between valine and leucine.